The following is an entry in ClinVar:

ClinVar aggregate classification (germline): Uncertain significance. Review status: criteria provided, multiple submitters, no conflicts (2 of 4 stars). 2 submissions from 2 submitters: Uncertain significance (2). Last evaluated 2026-01-14.

Conditions:
Familial cancer of breast. Also called: BREAST CANCER, FAMILIAL; Hereditary breast cancer; hereditary breast carcinoma. Identifiers: Orphanet 227535, MedGen C0346153, MONDO:0016419, OMIM 114480. Disease mechanism: loss of function.
Hereditary cancer-predisposing syndrome. Also called: Neoplastic Syndromes, Hereditary; Tumor predisposition; Hereditary Cancer Syndrome; Hereditary neoplastic syndrome. Identifiers: Orphanet 140162, MedGen C0027672, MeSH D009386, MONDO:0015356.

Allele frequency attached by ClinVar (database versions not stated): gnomAD exomes below 0.00001.
gnomAD v4.1: 4 of 1,614,092 alleles (0.00025%); highest among the groups gnomAD compares: Non-Finnish European, 0.00034%; no homozygotes.

Submissions (2):

Labcorp Genetics (formerly Invitae), Labcorp
Classification: Uncertain significance for Familial cancer of breast. Last evaluated: 2026-01-14. Review status: criteria provided, single submitter. Criteria: Invitae Variant Classification Sherloc (09022015). Collection method: clinical testing. Allele origin: germline.
Comment: This sequence change replaces phenylalanine, which is neutral and non-polar, with cysteine, which is neutral and slightly polar, at codon 115 of the CHEK2 protein (p.Phe115Cys). This variant is present in population databases (no rsID available, gnomAD 0.0009%). This variant has not been reported in the literature in individuals affected with CHEK2-related conditions. ClinVar contains an entry for this variant (Variation ID: 481735). An algorithm developed to predict the effect of missense changes on protein structure and function (PolyPhen-2) suggests that this variant is likely to be disruptive. In summary, the available evidence is currently insufficient to determine the role of this variant in disease. Therefore, it has been classified as a Variant of Uncertain Significance.

Ambry Genetics
Classification: Uncertain significance for Hereditary cancer-predisposing syndrome. Last evaluated: 2024-08-12. Review status: criteria provided, single submitter. Criteria: Ambry Variant Classification Scheme 2023. Collection method: clinical testing. Allele origin: germline.
Comment: The p.F115C variant (also known as c.344T>G), located in coding exon 2 of the CHEK2 gene, results from a T to G substitution at nucleotide position 344. The phenylalanine at codon 115 is replaced by cysteine, an amino acid with highly dissimilar properties. This alteration was reported as functional in a study assessing CHEK2-complementation through quantification of KAP1 phosphorylation and CHK2 autophosphorylation in human RPE1-CHEK2-knockout cells (Stolarova L et al. Clin Cancer Res. 2023 Aug;29(16):3037-3050). This amino acid position is highly conserved in available vertebrate species. In addition, this alteration is predicted to be deleterious by in silico analysis. Based on the available evidence, the clinical significance of this variant remains unclear.

Literature cited by the submitters: PubMed 37449874 (cited by Ambry Genetics).

NM_007194.4(CHEK2):c.344T>G (p.Phe115Cys)

Gene: CHEK2 (checkpoint kinase 2; minus strand). Cytogenetic location: 22q12.1.
Variant type: single nucleotide variant.
Coding change: c.344T>G on transcript NM_007194.4 (MANE Select); coding-DNA position 344, T replaced by G.
Protein change: p.Phe115Cys; replaces phenylalanine 115 with cysteine.
Molecular consequence: missense variant.
Genome position (GRCh38, 1-based): chr22:28,725,343, A>C on the plus strand (T>G on the coding strand, the complement: CHEK2 is on the minus strand). VCF-style: chr22-28725343-A-C. GRCh37 (hg19) VCF-style: chr22-29121331-A-C.
Other names: c.473T>G, p.Phe158Cys (NM_001005735.3); c.-434T>G (NM_001257387.3); c.344T>G, p.Phe115Cys (NM_001349956.3, NM_145862.3); short protein forms F115C, F158C.
Identifiers: ClinVar variation 481735 (VCV000481735.16), dbSNP rs1060502706, ClinGen allele CA411108209.